The following is an entry in ClinVar:

ClinVar aggregate classification (germline): Uncertain significance. Review status: criteria provided, multiple submitters, no conflicts (2 of 4 stars). 2 submissions from 2 submitters: Uncertain significance (2). Last evaluated 2025-12-10.

Conditions:
Inborn genetic diseases. Identifiers: MedGen C0950123, MeSH D030342.
Lethal multiple pterygium syndrome (LMPS). Identifiers: Orphanet 33108, MedGen C1854678, MONDO:0009668, OMIM 253290.

Allele frequency attached by ClinVar (database versions not stated): gnomAD exomes below 0.00001 and 0.00001; gnomAD 0.00001; TOPMed 0.00005.
gnomAD v4.1: 15 of 1,613,566 alleles (0.00093%); highest among the groups gnomAD compares: Admixed American, 0.0033%; no homozygotes.

Submissions (2):

Labcorp Genetics (formerly Invitae), Labcorp
Classification: Uncertain significance for Lethal multiple pterygium syndrome. Last evaluated: 2025-12-10. Review status: criteria provided, single submitter. Criteria: Invitae Variant Classification Sherloc (09022015). Collection method: clinical testing. Allele origin: germline.
Comment: This sequence change replaces arginine, which is basic and polar, with tryptophan, which is neutral and slightly polar, at codon 30 of the CHRND protein (p.Arg30Trp). This variant is not present in population databases (gnomAD no frequency). This variant has not been reported in the literature in individuals affected with CHRND-related conditions. ClinVar contains an entry for this variant (Variation ID: 466197). Invitae Evidence Modeling of protein sequence and biophysical properties (such as structural, functional, and spatial information, amino acid conservation, physicochemical variation, residue mobility, and thermodynamic stability) indicates that this missense variant is not expected to disrupt CHRND protein function with a negative predictive value of 95%. In summary, the available evidence is currently insufficient to determine the role of this variant in disease. Therefore, it has been classified as a Variant of Uncertain Significance.

Ambry Genetics
Classification: Uncertain significance for Inborn genetic diseases. Last evaluated: 2023-11-14. Review status: criteria provided, single submitter. Criteria: Ambry Variant Classification Scheme 2023. Collection method: clinical testing. Allele origin: germline.

NM_000751.3(CHRND):c.88C>T (p.Arg30Trp)

Gene: CHRND (cholinergic receptor nicotinic delta subunit; plus strand). Cytogenetic location: 2q37.1.
Variant type: single nucleotide variant.
Coding change: c.88C>T on transcript NM_000751.3 (MANE Select); coding-DNA position 88, C replaced by T.
Protein change: p.Arg30Trp; replaces arginine 30 with tryptophan.
Molecular consequence: missense variant. On other transcripts: 5 prime UTR variant (2).
Genome position (GRCh38, 1-based): chr2:232,526,564, C>T. VCF-style: chr2-232526564-C-T. GRCh37 (hg19) VCF-style: chr2-233391274-C-T.
Other names: c.88C>T (NM_000751.1); c.88C>T, p.Arg30Trp (NM_001256657.2); c.-184C>T (NM_001311195.2, NM_001311196.2); short protein forms R30W.
Identifiers: ClinVar variation 466197 (VCV000466197.10), dbSNP rs1047325384, ClinGen allele CA66950455.